The following is an entry in ClinVar:

ClinVar aggregate classification (germline): Uncertain significance (1 of 4 stars; one submission).

Submission:

Labcorp Genetics (formerly Invitae), Labcorp
Classification: Uncertain significance. Last evaluated: 2026-02-01. Review status: criteria provided, single submitter. Criteria: Invitae Variant Classification Sherloc (09022015). Collection method: clinical testing. Allele origin: germline.
Comment: This sequence change affects codon 211 of the TUBB4B mRNA. It is a 'silent' change, meaning that it does not change the encoded amino acid sequence of the TUBB4B protein. The frequency data for this variant in the population databases is considered unreliable, as metrics indicate poor data quality at this position in the gnomAD database. This variant has not been reported in the literature in individuals affected with TUBB4B-related conditions. Algorithms developed to predict the effect of sequence changes on RNA splicing suggest that this variant may create or strengthen a splice site. In summary, the available evidence is currently insufficient to determine the role of this variant in disease. Therefore, it has been classified as a Variant of Uncertain Significance.

NM_006088.6(TUBB4B):c.633C>T (p.Cys211=)

Gene: TUBB4B (tubulin beta 4B class IVb; plus strand). Cytogenetic location: 9q34.3.
Variant type: single nucleotide variant.
Coding change: c.633C>T on transcript NM_006088.6 (MANE Select); coding-DNA position 633, C replaced by T.
Protein change: p.Cys211=; no amino-acid change (cysteine 211 retained).
Molecular consequence: synonymous variant.
Genome position (GRCh38, 1-based): chr9:137,242,851, C>T. VCF-style: chr9-137242851-C-T. GRCh37 (hg19) VCF-style: chr9-140137303-C-T.
Identifiers: ClinVar variation 4693444 (VCV004693444.1).
Genomic context (GRCh38, chr9:137,242,851, plus strand): 5'-GCTCGTAGAAAACACAGACGAGACCTACTGCATTGATAACGAAGCTCTCTACGACATTTG[C>T]TTCAGAACCCTAAAGCTGACCACGCCCACCTATGGTGACCTGAACCACCTGGTGTCTGCT-3'
Protein context (NP_006079.1, residues 201-221): CIDNEALYDI[Cys211=]FRTLKLTTPT